The following is an entry in ClinVar:

NM_001277115.2(DNAH11):c.5491T>A (p.Ser1831Thr)

Gene: DNAH11 (dynein axonemal heavy chain 11; plus strand). Cytogenetic location: 7p15.3.
Variant type: single nucleotide variant.
Coding change: c.5491T>A on transcript NM_001277115.2 (MANE Select); coding-DNA position 5491, T replaced by A.
Protein change: p.Ser1831Thr; replaces serine 1831 with threonine.
Molecular consequence: missense variant.
Genome position (GRCh38, 1-based): chr7:21,683,814, T>A. VCF-style: chr7-21683814-T-A. GRCh37 (hg19) VCF-style: chr7-21723432-T-A.
Other names: NM_001277115.2:c.5491T>A; short protein forms S1831T.
Identifiers: ClinVar variation 3776925 (VCV003776925.2).
Genomic context (GRCh38, chr7:21,683,814, plus strand): 5'-CTGCGTATGATGATTATGCAATGCCTTTAGGTTGTCAGTCCCCAAGCTTTTACATGGCTG[T>A]CTCAACTTCGTCACCGATGGGAGGATACCCAGAAACACTGCTTTGTTAATATTTGTGATG-3'
Protein context (NP_001264044.1, residues 1821-1841): VVSPQAFTWL[Ser1831Thr]QLRHRWEDTQ

ClinVar aggregate classification (germline): Uncertain significance. Review status: criteria provided, multiple submitters, no conflicts (2 of 4 stars). 2 submissions from 2 submitters: Uncertain significance (2). Last evaluated 2025-05-12.

Conditions:
Primary ciliary dyskinesia 7. Also called: CILIARY DYSKINESIA, PRIMARY, 7, WITH OR WITHOUT SITUS INVERSUS. Identifiers: Orphanet 244, MedGen C2678473, MONDO:0012748, OMIM 611884.

gnomAD v4.1: 4 of 1,611,244 alleles (0.00025%); highest among the groups gnomAD compares: East Asian, 0.0089%; no homozygotes.

Submissions (2):

Women's Health and Genetics/Laboratory Corporation of America, LabCorp
Classification: Uncertain significance. Last evaluated: 2025-05-12. Review status: criteria provided, single submitter. Criteria: LabCorp Variant Classification Summary - May 2015. Collection method: clinical testing. Allele origin: germline.
Comment: Variant summary: DNAH11 c.5491T>A (p.Ser1831Thr) results in a conservative amino acid change in the encoded protein sequence. Algorithms developed to predict the effect of missense changes on protein structure and function are either unavailable or do not agree on the potential impact of this missense change. The variant was absent in 247276 control chromosomes. The available data on variant occurrences in the general population are insufficient to allow any conclusion about variant significance. c.5491T>A has been observed in the compound heterozygous state in at least one individual affected with congenital disorder of glycosylation who also carried multiple other homozygous and/or de novo variants (Masunga_2022). These report(s) do not provide unequivocal conclusions about association of the variant with Primary Ciliary Dyskinesia 7. To our knowledge, no experimental evidence demonstrating an impact on protein function has been reported. The following publication have been ascertained in the context of this evaluation (PMID: 36224347). ClinVar contains an entry for this variant (Variation ID: 3776925). Based on the evidence outlined above, the variant was classified as uncertain significance.

Broad Center for Mendelian Genomics, Broad Institute of MIT and Harvard
Classification: Uncertain significance for Primary ciliary dyskinesia 7. Last evaluated: 2025-02-12. Review status: criteria provided, single submitter. Criteria: ACMG Guidelines, 2015. Collection method: curation. Allele origin: germline. Inheritance: Autosomal recessive inheritance.
Comment: The p.Ser1831Thr variant in DNAH11 has been reported in 1 individual with primary ciliary dyskinesia (PMID: 33577779), and has been identified in 0.009% (4/44872) of East Asian chromosomes by the Genome Aggregation Database (gnomAD; dbSNP ID: rs1336120886). Although this variant has been seen in the general population in a heterozygous state, its frequency is low enough to be consistent with a recessive carrier frequency. Computational prediction tools, including splice predictors and conservation analyses, suggest that this variant may not impact the protein, though this information is not predictive enough to rule out pathogenicity. In summary, the clinical significance of the p.Ser1831Thr variant is uncertain. ACMG/AMP Criteria applied: BP4, PM2_supporting (Richards 2015).

Literature cited by the submitters: PubMed 36224347 (cited by Women's Health and Genetics/Laboratory Corporation of America, LabCorp).